The following is an entry in ClinVar:

NM_001572.5(IRF7):c.243dup (p.Glu82fs)

Gene: IRF7 (interferon regulatory factor 7; minus strand). Cytogenetic location: 11p15.5.
Variant type: Duplication.
Coding change: c.243dup on transcript NM_001572.5 (MANE Select); coding-DNA position 243, one base duplicated (C; older notation c.243dupC).
Protein change: p.Glu82fs; shifts the reading frame from glutamic acid 82.
Molecular consequence: frameshift variant.
Genome position (GRCh38, 1-based): chr11:614,948, G duplicated on the plus strand (C on the coding strand, the reverse complement: IRF7 is on the minus strand); the first of 6 consecutive G bases (chr11:614,948-614,953); duplicating any one gives the same sequence. VCF-style (leftmost placement, unchanged base first): chr11-614947-C-CG. GRCh37 (hg19) VCF-style: chr11-614947-C-CG.
Other names: c.243dup, p.Glu82fs (NM_004029.4); c.282dup, p.Glu95fs (NM_004031.4); short protein forms E95fs, E82fs.
Identifiers: ClinVar variation 2719176 (VCV002719176.3), dbSNP rs757899679, ClinGen allele CA5784026.

ClinVar aggregate classification (germline): Uncertain significance (1 of 4 stars; one submission).

Conditions:
Immunodeficiency 39 (IMD39). Identifiers: Orphanet 574918, MedGen C4225358, MONDO:0014597, OMIM 616345.

Submission:

Labcorp Genetics (formerly Invitae), Labcorp
Classification: Uncertain significance for Immunodeficiency 39. Last evaluated: 2023-04-27. Review status: criteria provided, single submitter. Criteria: Invitae Variant Classification Sherloc (09022015). Collection method: clinical testing. Allele origin: germline.
Comment: In summary, the available evidence is currently insufficient to determine the role of this variant in disease. Therefore, it has been classified as a Variant of Uncertain Significance. This variant has not been reported in the literature in individuals affected with IRF7-related conditions. The frequency data for this variant in the population databases is considered unreliable, as metrics indicate poor data quality at this position in the gnomAD database. This sequence change creates a premature translational stop signal (p.Glu95Argfs*3) in the IRF7 gene. It is expected to result in an absent or disrupted protein product. However, the current clinical and genetic evidence is not sufficient to establish whether loss-of-function variants in IRF7 cause disease.